The following is an entry in ClinVar:

ClinVar aggregate classification (germline): Uncertain significance (1 of 4 stars; one submission).

Submission:

GeneDx
Classification: Uncertain significance. Last evaluated: 2026-02-03. Review status: criteria provided, single submitter. Criteria: GeneDx Variant Classification Process June 2021. Collection method: clinical testing. Allele origin: germline.
Comment: Not observed at significant frequency in large population cohorts (gnomAD); In silico analysis supports that this missense variant has a deleterious effect on protein structure/function; Has not been previously published as pathogenic or benign to our knowledge

NM_002655.3(PLAG1):c.1051C>T (p.Pro351Ser)

Genes: PLAG1 (PLAG1 zinc finger; minus strand), LOC126860395 (BRD4-independent group 4 enhancer GRCh37_chr8:57079228-57080427; plus strand). Cytogenetic location: 8q12.1.
Variant type: single nucleotide variant.
Coding change: c.1051C>T on transcript NM_002655.3 (MANE Select); coding-DNA position 1051, C replaced by T.
Protein change: p.Pro351Ser; replaces proline 351 with serine.
Molecular consequence: missense variant.
Genome position (GRCh38, 1-based): chr8:56,166,695, G>A on the plus strand (C>T on the coding strand, the complement: PLAG1 is on the minus strand). VCF-style: chr8-56166695-G-A. GRCh37 (hg19) VCF-style: chr8-57079254-G-A.
Other names: c.1051C>T, p.Pro351Ser (NM_001114634.2); c.805C>T, p.Pro269Ser (NM_001114635.2); short protein forms P269S, P351S.
Identifiers: ClinVar variation 4976137 (VCV004976137.1).